The following is an entry in ClinVar:

ClinVar aggregate classification (germline): Uncertain significance (1 of 4 stars; one submission).

Submission:

GeneDx
Classification: Uncertain significance. Last evaluated: 2022-04-30. Review status: criteria provided, single submitter. Criteria: GeneDx Variant Classification Process June 2021. Collection method: clinical testing. Allele origin: germline. Affected: yes.
Comment: Not observed at significant frequency in large population cohorts (gnomAD); In silico analysis supports that this missense variant has a deleterious effect on protein structure/function; Has not been previously published as pathogenic or benign to our knowledge

NM_001069.3(TUBB2A):c.1042A>G (p.Asn348Asp)

Gene: TUBB2A (tubulin beta 2A class IIa; minus strand). Cytogenetic location: 6p25.2.
Variant type: single nucleotide variant.
Coding change: c.1042A>G on transcript NM_001069.3 (MANE Select); coding-DNA position 1042, A replaced by G.
Protein change: p.Asn348Asp; replaces asparagine 348 with aspartic acid.
Molecular consequence: missense variant.
Genome position (GRCh38, 1-based): chr6:3,154,159, T>C on the plus strand (A>G on the coding strand, the complement: TUBB2A is on the minus strand). VCF-style: chr6-3154159-T-C. GRCh37 (hg19) VCF-style: chr6-3154393-T-C.
Other names: c.787A>G, p.Asn263Asp (NM_001310315.2); short protein forms N263D, N348D.
Identifiers: ClinVar variation 1723016 (VCV001723016.2), dbSNP rs2533523957, ClinGen allele CA362591365.